The following is an entry in ClinVar:

NM_031935.3(HMCN1):c.8926G>A (p.Val2976Ile)

Gene: HMCN1 (hemicentin 1; plus strand). Cytogenetic location: 1q31.1.
Variant type: single nucleotide variant.
Coding change: c.8926G>A on transcript NM_031935.3 (MANE Select); coding-DNA position 8926, G replaced by A.
Protein change: p.Val2976Ile; replaces valine 2976 with isoleucine.
Molecular consequence: missense variant.
Genome position (GRCh38, 1-based): chr1:186,086,287, G>A. VCF-style: chr1-186086287-G-A. GRCh37 (hg19) VCF-style: chr1-186055419-G-A.
Other names: short protein forms V2976I.
Identifiers: ClinVar variation 2170518 (VCV002170518.4), dbSNP rs772967670, ClinGen allele CA1293271.

ClinVar aggregate classification (germline): Uncertain significance (1 of 4 stars; one submission).

Allele frequency attached by ClinVar (database versions not stated): gnomAD 0.00005; TOPMed 0.00006.
gnomAD v4.1: 51 of 1,612,936 alleles (0.0032%); highest among the groups gnomAD compares: Middle Eastern, 0.049%; no homozygotes.

Submission:

Labcorp Genetics (formerly Invitae), Labcorp
Classification: Uncertain significance. Last evaluated: 2026-01-12. Review status: criteria provided, single submitter. Criteria: Invitae Variant Classification Sherloc (09022015). Collection method: clinical testing. Allele origin: germline.
Comment: This sequence change replaces valine, which is neutral and non-polar, with isoleucine, which is neutral and non-polar, at codon 2976 of the HMCN1 protein (p.Val2976Ile). This variant is present in population databases (rs772967670, gnomAD 0.01%). This variant has not been reported in the literature in individuals affected with HMCN1-related conditions. ClinVar contains an entry for this variant (Variation ID: 2170518). An algorithm developed to predict the effect of missense changes on protein structure and function (PolyPhen-2) suggests that this variant is likely to be disruptive. In summary, the available evidence is currently insufficient to determine the role of this variant in disease. Therefore, it has been classified as a Variant of Uncertain Significance.